The following is an entry in ClinVar:

NM_001365951.3(KIF1B):c.3314A>C (p.Glu1105Ala)

Gene: KIF1B (kinesin family member 1B; plus strand). Cytogenetic location: 1p36.22.
Variant type: single nucleotide variant.
Coding change: c.3314A>C on transcript NM_001365951.3 (MANE Select); coding-DNA position 3314, A replaced by C.
Protein change: p.Glu1105Ala; replaces glutamic acid 1105 with alanine.
Molecular consequence: missense variant.
Genome position (GRCh38, 1-based): chr1:10,337,425, A>C. VCF-style: chr1-10337425-A-C. GRCh37 (hg19) VCF-style: chr1-10397483-A-C.
Other names: c.3314A>C, p.Glu1105Ala (NM_001365952.1); c.3176A>C, p.Glu1059Ala (NM_015074.3); short protein forms E1059A, E1105A.
Identifiers: ClinVar variation 3226440 (VCV003226440.3), dbSNP rs2521721717, ClinGen allele CA338340440.

ClinVar aggregate classification (germline): Uncertain significance. Review status: criteria provided, multiple submitters, no conflicts (2 of 4 stars). 2 submissions from 2 submitters: Uncertain significance (2). Last evaluated 2025-03-24.

Conditions:
Charcot-Marie-Tooth disease type 2. Also called: Charcot-Marie-Tooth type 2. Identifiers: Orphanet 64746, MedGen C0270914, MONDO:0018993.

Allele frequency attached by ClinVar (database versions not stated): gnomAD exomes below 0.00001.
gnomAD v4.1: 4 of 1,614,194 alleles (0.00025%); highest among the groups gnomAD compares: South Asian, 0.0022%; no homozygotes.

Submissions (2):

Labcorp Genetics (formerly Invitae), Labcorp
Classification: Uncertain significance for Charcot-Marie-Tooth disease type 2. Last evaluated: 2025-03-24. Review status: criteria provided, single submitter. Criteria: Invitae Variant Classification Sherloc (09022015). Collection method: clinical testing. Allele origin: germline.
Comment: This sequence change replaces glutamic acid, which is acidic and polar, with alanine, which is neutral and non-polar, at codon 1059 of the KIF1B protein (p.Glu1059Ala). This variant is not present in population databases (gnomAD no frequency). This variant has not been reported in the literature in individuals affected with KIF1B-related conditions. ClinVar contains an entry for this variant (Variation ID: 3226440). An algorithm developed to predict the effect of missense changes on protein structure and function (PolyPhen-2) suggests that this variant is likely to be tolerated. In summary, the available evidence is currently insufficient to determine the role of this variant in disease. Therefore, it has been classified as a Variant of Uncertain Significance.

Ambry Genetics
Classification: Uncertain significance. Last evaluated: 2024-01-25. Review status: criteria provided, single submitter. Criteria: Ambry Variant Classification Scheme 2023. Collection method: clinical testing. Allele origin: germline.
Comment: The p.E1059A variant (also known as c.3176A>C), located in coding exon 28 of the KIF1B gene, results from an A to C substitution at nucleotide position 3176. The glutamic acid at codon 1059 is replaced by alanine, an amino acid with dissimilar properties. This amino acid position is conserved. In addition, the in silico prediction for this alteration is inconclusive. Based on the available evidence, the clinical significance of this alteration remains unclear.